The following is an entry in ClinVar:

NM_032638.5(GATA2):c.1233G>A (p.Ala411=)

Gene: GATA2 (GATA binding protein 2; minus strand). Cytogenetic location: 3q21.3.
Variant type: single nucleotide variant.
Coding change: c.1233G>A on transcript NM_032638.5 (MANE Select); coding-DNA position 1233, G replaced by A.
Protein change: p.Ala411=; no amino-acid change (alanine 411 retained).
Molecular consequence: synonymous variant.
Genome position (GRCh38, 1-based): chr3:128,481,229, C>T on the plus strand (G>A on the coding strand, the complement: GATA2 is on the minus strand). VCF-style: chr3-128481229-C-T. GRCh37 (hg19) VCF-style: chr3-128200072-C-T.
Other names: p.Ala411=; c.1233G>A, p.Ala411= (NM_001145661.2); c.1191G>A, p.Ala397= (NM_001145662.1).
Identifiers: ClinVar variation 257562 (VCV000257562.42), dbSNP rs34172218, ClinGen allele CA2599815.

ClinVar aggregate classification (germline): Benign/Likely benign. Review status: criteria provided, multiple submitters, no conflicts (2 of 4 stars). 13 submissions from 13 submitters: Benign (7); Likely benign (3). 3 of the submissions do not count toward it. Last evaluated 2026-02-03.

Conditions:
Inborn genetic diseases. Identifiers: MedGen C0950123, MeSH D030342.
Deafness-lymphedema-leukemia syndrome. Also called: Lymphedema, primary, with myelodysplasia; Emberger syndrome. Identifiers: Orphanet 3226, MedGen C3279664, MONDO:0013540, OMIM 614038.
Monocytopenia with susceptibility to infections. Also called: IMMUNODEFICIENCY 21; MONOCYTOPENIA AND MYCOBACTERIAL INFECTION SYNDROME; MONOCYTOPENIA WITH SUSCEPTIBILITY TO MYCOBACTERIAL, FUNGAL, AND PAPILLOMAVIRUS INFECTIONS AND MYELODYSPLASIA; COMBINED IMMUNODEFICIENCY WITH SUSCEPTIBILITY TO MYCOBACTERIAL, VIRAL, AND FUNGAL INFECTIONS; Dendritic cell, monocyte, B lymphocyte, and natural killer lymphocyte deficiency; GATA2 DEFICIENCY. Identifiers: Orphanet 228423, MedGen C3280030, MONDO:0013607, OMIM 614172.

Allele frequency attached by ClinVar (database versions not stated): 1000 Genomes Project 0.00938; 1000 Genomes Project 30x 0.00953; gnomAD 0.01844 and 0.01909; TOPMed 0.01945; ESP Exome Variant Server 0.02114; gnomAD exomes 0.02204 and 0.02269; ExAC 0.02224.
gnomAD v4.1: 36,133 of 1,614,210 alleles (2.2%); highest among the groups gnomAD compares: Middle Eastern, 5.8%; 552 homozygotes.

Submissions (13):

Labcorp Genetics (formerly Invitae), Labcorp
Classification: Benign for Monocytopenia with susceptibility to infections; Deafness-lymphedema-leukemia syndrome. Last evaluated: 2026-02-03. Review status: criteria provided, single submitter. Criteria: Invitae Variant Classification Sherloc (09022015). Collection method: clinical testing. Allele origin: germline.

ARUP Laboratories, Molecular Genetics and Genomics, ARUP Laboratories
Classification: Benign. Last evaluated: 2025-06-06. Review status: criteria provided, single submitter. Criteria: ARUP Molecular Germline Variant Investigation Process 2024. Collection method: clinical testing. Allele origin: germline.

Blueprint Genetics
Classification: Likely benign. Last evaluated: 2024-11-26. Review status: criteria provided, single submitter. Criteria: ACMG Guidelines, 2015. Collection method: clinical testing. Allele origin: germline.

Ambry Genetics
Classification: Benign for Inborn genetic diseases. Last evaluated: 2024-11-22. Review status: criteria provided, single submitter. Criteria: Ambry Variant Classification Scheme 2023. Collection method: clinical testing. Allele origin: germline.

Mayo Clinic Laboratories, Mayo Clinic
Classification: Benign. Last evaluated: 2022-09-29. Review status: criteria provided, single submitter. Criteria: ACMG Guidelines, 2015. Collection method: clinical testing. Allele origin: germline. Observed: 141 variant alleles.

GeneDx
Classification: Likely benign. Last evaluated: 2020-12-18. Review status: criteria provided, single submitter. Criteria: GeneDx Variant Classification Process June 2021. Collection method: clinical testing. Allele origin: germline. Affected: yes.

PreventionGenetics, part of Exact Sciences
Classification: Benign. Last evaluated: 2018-03-22. Review status: criteria provided, single submitter. Criteria: ACMG Guidelines, 2015. Collection method: clinical testing. Allele origin: germline.

Illumina Laboratory Services, Illumina
Classification: Benign for Deafness-lymphedema-leukemia syndrome. Last evaluated: 2018-01-13. Review status: criteria provided, single submitter. Criteria: ICSL Variant Classification Criteria 13 December 2019. Collection method: clinical testing. Allele origin: germline.
Comment: This variant was observed in the ICSL laboratory as part of a predisposition screen in an ostensibly healthy population. It had not been previously curated by ICSL or reported in the Human Gene Mutation Database (HGMD: prior to June 1st, 2018), and was therefore a candidate for classification through an automated scoring system. Utilizing variant allele frequency, disease prevalence and penetrance estimates, and inheritance mode, an automated score was calculated to assess if this variant is too frequent to cause the disease. Based on the score and internal cut-off values, a variant classified as benign is not then subjected to further curation. The score for this variant resulted in a classification of benign for this disease.

Laboratory for Molecular Medicine, Mass General Brigham Personalized Medicine
Classification: Benign. Last evaluated: 2016-03-28. Review status: criteria provided, single submitter. Criteria: LMM Criteria. Collection method: clinical testing. Allele origin: germline.
Comment: Variant identified in a genome or exome case(s) and assessed due to predicted null impact of the variant or pathogenic assertions in the literature or databases. Disclaimer: This variant has not undergone full assessment. The following are preliminary notes: Frequency, silent variant not in splice consensus

Breakthrough Genomics
Classification: Likely benign. Review status: criteria provided, single submitter. Criteria: ACMG Guidelines, 2015. Collection method: not provided. Allele origin: germline. Inheritance: Autosomal dominant inheritance. Affected: yes.

Clinical Genetics, Academic Medical Center
Classification: Benign. Review status: no assertion criteria provided. Collection method: clinical testing. Allele origin: germline. Affected: yes. Study: VKGL Data-share Consensus. Not counted in ClinVar's aggregate classification.

Genome Diagnostics Laboratory, Amsterdam University Medical Center
Classification: Benign. Review status: no assertion criteria provided. Collection method: clinical testing. Allele origin: germline. Affected: yes. Study: VKGL Data-share Consensus. Not counted in ClinVar's aggregate classification.

Laboratory of Diagnostic Genome Analysis, Leiden University Medical Center (LUMC)
Classification: Benign. Review status: no assertion criteria provided. Collection method: clinical testing. Allele origin: germline. Affected: yes. Study: VKGL Data-share Consensus. Not counted in ClinVar's aggregate classification.